The following is an entry in ClinVar:

NM_000193.4(SHH):c.*2721C>T

Gene: SHH (sonic hedgehog signaling molecule; minus strand). Cytogenetic location: 7q36.3.
Variant type: single nucleotide variant.
Coding change: c.*2721C>T on transcript NM_000193.4 (MANE Select); 2721 bases downstream of the stop codon, C replaced by T.
Molecular consequence: 3 prime UTR variant. On other transcripts: missense variant (1), non-coding transcript variant (2).
Genome position (GRCh38, 1-based): chr7:155,800,179, G>A on the plus strand (C>T on the coding strand, the complement: SHH is on the minus strand). VCF-style: chr7-155800179-G-A. GRCh37 (hg19) VCF-style: chr7-155592873-G-A.
Other names: c.368C>T, p.Pro123Leu (NM_001310462.2); c.368C>T (NM_001310462.1); short protein forms P123L.
Identifiers: ClinVar variation 1328086 (VCV001328086.28), dbSNP rs555228243, ClinGen allele CA4586841.

ClinVar aggregate classification (germline): Likely benign. Review status: criteria provided, single submitter (1 of 4 stars). 4 submissions from 4 submitters: Likely benign (1). 3 of the submissions do not count toward it. Last evaluated 2023-07-01.

Conditions:
SHH-related disorder. Also called: SHH-related condition; SHH-related disorders.

Allele frequency attached by ClinVar (database versions not stated): ExAC 0.00060; gnomAD exomes 0.00065 and 0.00067; gnomAD 0.00066; TOPMed 0.00067.
gnomAD v4.1: 303 of 471,108 alleles (0.064%); highest among the groups gnomAD compares: Non-Finnish European, 0.1%; no homozygotes.

Submissions (4):

CeGaT Center for Human Genetics Tuebingen
Classification: Likely benign. Last evaluated: 2023-07-01. Review status: criteria provided, single submitter. Criteria: CeGaT Center For Human Genetics Tuebingen Variant Classification Criteria Version 2. Collection method: clinical testing. Allele origin: germline. Affected: yes. Observed: 1 variant allele.
Comment: SHH: PP3, BS1

PreventionGenetics, part of Exact Sciences
Classification: Likely benign for SHH-related condition. Last evaluated: 2022-08-09. Review status: no assertion criteria provided. Collection method: clinical testing. Allele origin: germline. Not counted in ClinVar's aggregate classification.
Comment: This variant is classified as likely benign based on ACMG/AMP sequence variant interpretation guidelines (Richards et al. 2015 PMID: 25741868, with internal and published modifications).

Clinical Genetics DNA and cytogenetics Diagnostics Lab, Erasmus MC, Erasmus Medical Center
Classification: Likely benign. Review status: no assertion criteria provided. Collection method: clinical testing. Allele origin: germline. Affected: yes. Study: VKGL Data-share Consensus. Not counted in ClinVar's aggregate classification.

Clinical Genetics, Academic Medical Center
Classification: Likely benign. Review status: no assertion criteria provided. Collection method: clinical testing. Allele origin: germline. Affected: yes. Study: VKGL Data-share Consensus. Not counted in ClinVar's aggregate classification.